The following is an entry in ClinVar:

ClinVar aggregate classification (germline): Uncertain significance (1 of 4 stars; one submission).

Conditions:
Hereditary hemorrhagic telangiectasia (HHT). Also called: ORW DISEASE; Osler Weber Rendu syndrome; OSLER-RENDU-WEBER DISEASE; Osler hemorrhagic telangiectasia syndrome. Identifiers: Orphanet 774, MedGen C0039445, MONDO:0019180. Disease mechanism: loss of function.

Submission:

Labcorp Genetics (formerly Invitae), Labcorp
Classification: Uncertain significance for Hereditary hemorrhagic telangiectasia. Last evaluated: 2020-12-23. Review status: criteria provided, single submitter. Criteria: Invitae Variant Classification Sherloc (09022015). Collection method: clinical testing. Allele origin: germline.
Comment: In summary, the available evidence is currently insufficient to determine the role of this variant in disease. Therefore, it has been classified as a Variant of Uncertain Significance. Experimental studies and prediction algorithms are not available or were not evaluated, and the functional significance of this variant is currently unknown. This variant has been observed in individual(s) with clinical features of hereditary hemorrhagic telangiectasia (Invitae). It has also been observed to segregate with disease in related individuals. ClinVar contains an entry for this variant (Variation ID: 848379). This variant is not present in population databases (ExAC no frequency). This variant, c.320_328del, results in the deletion of 3 amino acid(s) of the ENG protein (p.Leu107_Leu109del), but otherwise preserves the integrity of the reading frame.

NM_001114753.3(ENG):c.320_328del (p.Leu107_Leu109del)

Gene: ENG (endoglin; minus strand). Cytogenetic location: 9q34.11.
Variant type: Deletion.
Coding change: c.320_328del on transcript NM_001114753.3 (MANE Select); coding-DNA positions 320 to 328, 9 bases deleted (TGCATCTCC; older notation c.320_328delTGCATCTCC).
Protein change: p.Leu107_Leu109del.
Molecular consequence: inframe deletion. On other transcripts: inframe indel (2), 5 prime UTR variant (1).
Genome position (GRCh38, 1-based): chr9:127,829,719-127,829,727, GGAGATGCA deleted on the plus strand (TGCATCTCC on the coding strand, the reverse complement: ENG is on the minus strand); deleting any 9 consecutive bases within chr9:127,829,719-127,829,730 gives the same sequence; the c. name uses the placement nearest the transcript's 3' end. VCF-style (leftmost placement, unchanged base first): chr9-127829718-TGGAGATGCA-T. GRCh37 (hg19) VCF-style: chr9-130591997-TGGAGATGCA-T.
Other names: c.317_325delTCCTGCATC, p.Leu107_Leu109del (NM_000118.4, NM_001406715.1); c.-227_-219del (NM_001278138.2).
Identifiers: ClinVar variation 848379 (VCV000848379.12), dbSNP rs1830714023, ClinGen allele CA916081558.